The following is an entry in ClinVar:

ClinVar aggregate classification (germline): Conflicting classifications of pathogenicity. Review status: criteria provided, conflicting classifications (1 of 4 stars). 2 submissions from 2 submitters: Uncertain significance (1); Likely benign (1). Last evaluated 2025-02-04.

Conditions:
Vici syndrome (VICIS). Identifiers: Orphanet 1493, MedGen C1855772, MONDO:0009452, OMIM 242840.
Inborn genetic diseases. Identifiers: MedGen C0950123, MeSH D030342.

Allele frequency attached by ClinVar (database versions not stated): gnomAD exomes below 0.00001; TOPMed below 0.00001.
gnomAD v4.1: 6 of 1,608,972 alleles (0.00037%); highest among the groups gnomAD compares: Non-Finnish European, 0.00051%; no homozygotes.

Submissions (2):

Labcorp Genetics (formerly Invitae), Labcorp
Classification: Uncertain significance for Vici syndrome. Last evaluated: 2025-02-04. Review status: criteria provided, single submitter. Criteria: Invitae Variant Classification Sherloc (09022015). Collection method: clinical testing. Allele origin: germline.
Comment: This sequence change replaces serine, which is neutral and polar, with asparagine, which is neutral and polar, at codon 1879 of the EPG5 protein (p.Ser1879Asn). This variant is not present in population databases (gnomAD no frequency). This variant has not been reported in the literature in individuals affected with EPG5-related conditions. ClinVar contains an entry for this variant (Variation ID: 534594). Invitae Evidence Modeling of protein sequence and biophysical properties (such as structural, functional, and spatial information, amino acid conservation, physicochemical variation, residue mobility, and thermodynamic stability) indicates that this missense variant is not expected to disrupt EPG5 protein function with a negative predictive value of 80%. In summary, the available evidence is currently insufficient to determine the role of this variant in disease. Therefore, it has been classified as a Variant of Uncertain Significance.

Ambry Genetics
Classification: Likely benign for Inborn genetic diseases. Last evaluated: 2022-11-19. Review status: criteria provided, single submitter. Criteria: Ambry Variant Classification Scheme 2023. Collection method: clinical testing. Allele origin: germline.

NM_020964.3(EPG5):c.5636G>A (p.Ser1879Asn)

Gene: EPG5 (ectopic P-granules 5 autophagy tethering factor; minus strand). Cytogenetic location: 18q12.3.
Variant type: single nucleotide variant.
Coding change: c.5636G>A on transcript NM_020964.3 (MANE Select); coding-DNA position 5636, G replaced by A.
Protein change: p.Ser1879Asn; replaces serine 1879 with asparagine.
Molecular consequence: missense variant.
Genome position (GRCh38, 1-based): chr18:45,880,106, C>T on the plus strand (G>A on the coding strand, the complement: EPG5 is on the minus strand). VCF-style: chr18-45880106-C-T. GRCh37 (hg19) VCF-style: chr18-43460071-C-T.
Other names: c.5636G>A, p.Ser1879Asn (LRG_1234t1); short protein forms S1879N.
Identifiers: ClinVar variation 534594 (VCV000534594.11), dbSNP rs1213600316, ClinGen allele CA402343390.
Genomic context (GRCh38, chr18:45,880,106, plus strand): 5'-AAACACGTCAGAGACCAAAGGCTACACACCTGCTTGTCTGACAAGAGAGCATCAGAAGAG[C>T]TGGGAAGCACGGCGCCCTCGGTGGACGCTGCCCCCTGCTGGCAGCTGGGGGCGCAGCAGC-3'
Protein context (NP_066015.2, residues 1869-1889): AASTEGAVLP[Ser1879Asn]SSDALLSDKQ